The following is an entry in ClinVar:

ClinVar aggregate classification (germline): Likely benign. Review status: criteria provided, multiple submitters, no conflicts (2 of 4 stars). 4 submissions from 4 submitters: Likely benign (4). Last evaluated 2025-11-17.

Conditions:
Multicentric osteolysis nodulosis arthropathy spectrum. Identifiers: Orphanet 3460, Orphanet 371428, MedGen C1850155, MONDO:0018298.

Allele frequency attached by ClinVar (database versions not stated): ESP Exome Variant Server 0.00208; gnomAD 0.00217 and 0.00232; TOPMed 0.00244; gnomAD exomes 0.00051; ExAC 0.00069; 1000 Genomes Project 30x 0.00156; 1000 Genomes Project 0.00160.
gnomAD v4.1: 617 of 1,614,054 alleles (0.038%); highest among the groups gnomAD compares: African/African-American, 0.78%; 4 homozygotes.

Submissions (4):

Labcorp Genetics (formerly Invitae), Labcorp
Classification: Likely benign. Last evaluated: 2025-11-17. Review status: criteria provided, single submitter. Criteria: Invitae Variant Classification Sherloc (09022015). Collection method: clinical testing. Allele origin: germline.

Fulgent Genetics
Classification: Likely benign for Multicentric osteolysis, nodulosis, and arthropathy. Last evaluated: 2021-10-13. Review status: criteria provided, single submitter. Criteria: ACMG Guidelines, 2015. Collection method: clinical testing. Allele origin: unknown.

Illumina Laboratory Services, Illumina
Classification: Likely benign for Multicentric osteolysis, nodulosis, and arthropathy. Last evaluated: 2018-01-12. Review status: criteria provided, single submitter. Criteria: ICSL Variant Classification Criteria 13 December 2019. Collection method: clinical testing. Allele origin: germline.
Comment: This variant was observed in the ICSL laboratory as part of a predisposition screen in an ostensibly healthy population. It had not been previously curated by ICSL or reported in the Human Gene Mutation Database (HGMD: prior to June 1st, 2018), and was therefore a candidate for classification through an automated scoring system. Utilizing variant allele frequency, disease prevalence and penetrance estimates, and inheritance mode, an automated score was calculated to assess if this variant is too frequent to cause the disease. Based on the score and internal cut-off values, a variant classified as likely benign is not then subjected to further curation. The score for this variant resulted in a classification of likely benign for this disease.

Eurofins Ntd Llc (ga)
Classification: Likely benign. Last evaluated: 2017-01-23. Review status: criteria provided, single submitter. Criteria: EGL Classification Definitions 2015. Collection method: clinical testing. Allele origin: germline. Observed: 1 variant allele, 1 heterozygote.

NM_004530.6(MMP2):c.1802G>T (p.Gly601Val)

Gene: MMP2 (matrix metallopeptidase 2; plus strand). Cytogenetic location: 16q12.2.
Variant type: single nucleotide variant.
Coding change: c.1802G>T on transcript NM_004530.6 (MANE Select); coding-DNA position 1802, G replaced by T.
Protein change: p.Gly601Val; replaces glycine 601 with valine.
Molecular consequence: missense variant.
Genome position (GRCh38, 1-based): chr16:55,502,811, G>T. VCF-style: chr16-55502811-G-T. GRCh37 (hg19) VCF-style: chr16-55536723-G-T.
Other names: c.1652G>T, p.Gly551Val (NM_001127891.3); c.1574G>T, p.Gly525Val (NM_001302508.1, NM_001302509.2, NM_001302510.2); short protein forms G601V, G551V, G525V.
Identifiers: ClinVar variation 499458 (VCV000499458.20), dbSNP rs142010233, ClinGen allele CA8060591.
Genomic context (GRCh38, chr16:55,502,811, plus strand): 5'-CTGGTTCACTGTGTCTGTTTCTTTACAGATACAATGAGGTGAAGAAGAAAATGGATCCTG[G>T]CTTCCCCAAGCTCATCGCAGATGCCTGGAATGCCATCCCCGATAACCTGGATGCCGTCGT-3'
Protein context (NP_004521.1, residues 591-611): YNEVKKKMDP[Gly601Val]FPKLIADAWN